The following is an entry in ClinVar:

ClinVar aggregate classification (germline): Uncertain significance (1 of 4 stars; one submission).

Conditions:
Primary ciliary dyskinesia. Also called: Ciliary dyskinesia. Identifiers: Orphanet 244, MedGen C0008780, MONDO:0016575, HP:0012265.

Submission:

Labcorp Genetics (formerly Invitae), Labcorp
Classification: Uncertain significance for Primary ciliary dyskinesia. Last evaluated: 2022-06-05. Review status: criteria provided, single submitter. Criteria: Invitae Variant Classification Sherloc (09022015). Collection method: clinical testing. Allele origin: germline.
Comment: This sequence change replaces lysine, which is basic and polar, with glutamine, which is neutral and polar, at codon 772 of the DNAH11 protein (p.Lys772Gln). This variant is not present in population databases (gnomAD no frequency). This variant has not been reported in the literature in individuals affected with DNAH11-related conditions. ClinVar contains an entry for this variant (Variation ID: 1449192). Advanced modeling of protein sequence and biophysical properties (such as structural, functional, and spatial information, amino acid conservation, physicochemical variation, residue mobility, and thermodynamic stability) performed at Invitae indicates that this missense variant is not expected to disrupt DNAH11 protein function. In summary, the available evidence is currently insufficient to determine the role of this variant in disease. Therefore, it has been classified as a Variant of Uncertain Significance.

NM_001277115.2(DNAH11):c.2314A>C (p.Lys772Gln)

Gene: DNAH11 (dynein axonemal heavy chain 11; plus strand). Cytogenetic location: 7p15.3.
Variant type: single nucleotide variant.
Coding change: c.2314A>C on transcript NM_001277115.2 (MANE Select); coding-DNA position 2314, A replaced by C.
Protein change: p.Lys772Gln; replaces lysine 772 with glutamine.
Molecular consequence: missense variant.
Genome position (GRCh38, 1-based): chr7:21,591,224, A>C. VCF-style: chr7-21591224-A-C. GRCh37 (hg19) VCF-style: chr7-21630842-A-C.
Other names: short protein forms K772Q.
Identifiers: ClinVar variation 1449192 (VCV001449192.6), dbSNP rs2128443616, ClinGen allele CA366942394.